The following is an entry in ClinVar:

NM_001130144.3(LTBP3):c.2959G>A (p.Gly987Ser)

Genes: LTBP3 (latent transforming growth factor beta binding protein 3; minus strand), LOC121832793 (Sharpr-MPRA regulatory region 4001; plus strand). Cytogenetic location: 11q13.1.
Variant type: single nucleotide variant.
Coding change: c.2959G>A on transcript NM_001130144.3 (MANE Select); coding-DNA position 2959, G replaced by A.
Protein change: p.Gly987Ser; replaces glycine 987 with serine.
Molecular consequence: missense variant.
Genome position (GRCh38, 1-based): chr11:65,540,889, C>T on the plus strand (G>A on the coding strand, the complement: LTBP3 is on the minus strand). VCF-style: chr11-65540889-C-T. GRCh37 (hg19) VCF-style: chr11-65308360-C-T.
Other names: c.2608G>A, p.Gly870Ser (NM_001164266.1); c.2959G>A, p.Gly987Ser (NM_021070.4); short protein forms G987S, G870S.
Identifiers: ClinVar variation 2562657 (VCV002562657.2), dbSNP rs777330042, ClinGen allele CA6100427.

ClinVar aggregate classification (germline): Uncertain significance (1 of 4 stars; one submission).

Conditions:
Inborn genetic diseases. Identifiers: MedGen C0950123, MeSH D030342.

Allele frequency attached by ClinVar (database versions not stated): TOPMed below 0.00001; ExAC 0.00001; gnomAD 0.00001.
gnomAD v4.1: 3 of 1,612,798 alleles (0.00019%); highest among the groups gnomAD compares: African/African-American, 0.0027%; no homozygotes.

Submission:

Ambry Genetics
Classification: Uncertain significance for Inborn genetic diseases. Last evaluated: 2023-04-17. Review status: criteria provided, single submitter. Criteria: Ambry Variant Classification Scheme 2023. Collection method: clinical testing. Allele origin: germline.
Comment: The p.G987S variant (also known as c.2959G>A), located in coding exon 21 of the LTBP3 gene, results from a G to A substitution at nucleotide position 2959. The glycine at codon 987 is replaced by serine, an amino acid with similar properties. This amino acid position is conserved. In addition, the in silico prediction for this alteration is inconclusive. Since supporting evidence is limited at this time, the clinical significance of this alteration remains unclear.